The following is an entry in ClinVar:

NM_001270508.2(TNFAIP3):c.201_202dup (p.Leu68fs)

Gene: TNFAIP3 (TNF alpha induced protein 3; plus strand). Cytogenetic location: 6q23.3.
Variant type: Duplication.
Coding change: c.201_202dup on transcript NM_001270508.2 (MANE Select); coding-DNA positions 201 to 202, 2 bases duplicated (CC; older notation c.201_202dupCC).
Protein change: p.Leu68fs; shifts the reading frame from leucine 68.
Molecular consequence: frameshift variant.
Genome position (GRCh38, 1-based): chr6:137,871,428-137,871,429, CC duplicated; duplicating any 2 consecutive bases within chr6:137,871,427-137,871,429 gives the same sequence; the c. name uses the placement nearest the transcript's 3' end. VCF-style (leftmost placement, unchanged base first): chr6-137871426-G-GCC. GRCh37 (hg19) VCF-style: chr6-138192563-G-GCC.
Other names: c.201_202dup, p.Leu68fs (NM_006290.4, NM_001270507.2); short protein forms L68fs.
Identifiers: ClinVar variation 4716928 (VCV004716928.1).

ClinVar aggregate classification (germline): Pathogenic (1 of 4 stars; one submission).

Submission:

Labcorp Genetics (formerly Invitae), Labcorp
Classification: Pathogenic. Last evaluated: 2025-04-09. Review status: criteria provided, single submitter. Criteria: Invitae Variant Classification Sherloc (09022015). Collection method: clinical testing. Allele origin: germline.
Comment: This sequence change creates a premature translational stop signal (p.Leu68Profs*29) in the TNFAIP3 gene. It is expected to result in an absent or disrupted protein product. Loss-of-function variants in TNFAIP3 are known to be pathogenic (PMID: 26642243). This variant is not present in population databases (gnomAD no frequency). This variant has not been reported in the literature in individuals affected with TNFAIP3-related conditions. For these reasons, this variant has been classified as Pathogenic.

Literature cited by the submitters: PubMed 26642243.